The following is an entry in ClinVar:

ClinVar aggregate classification (germline): Likely benign (0 of 4 stars; one submission).

Conditions:
IGSF10-related disorder. Also called: IGSF10-related condition.

Allele frequency attached by ClinVar (database versions not stated): gnomAD exomes below 0.00001.
gnomAD v4.1: 1 of 1,614,148 alleles (0.000062%); highest among the groups gnomAD compares: Non-Finnish European, 0.000085%; no homozygotes.

Submission:

PreventionGenetics, part of Exact Sciences
Classification: Likely benign for IGSF10-related condition. Last evaluated: 2019-08-13. Review status: no assertion criteria provided. Collection method: clinical testing. Allele origin: germline.
Comment: This variant is classified as likely benign based on ACMG/AMP sequence variant interpretation guidelines (Richards et al. 2015 PMID: 25741868, with internal and published modifications).

NM_178822.5(IGSF10):c.2607C>T (p.Ala869=)

Gene: IGSF10 (immunoglobulin superfamily member 10; minus strand). Cytogenetic location: 3q25.1.
Variant type: single nucleotide variant.
Coding change: c.2607C>T on transcript NM_178822.5 (MANE Select); coding-DNA position 2607, C replaced by T.
Protein change: p.Ala869=; no amino-acid change (alanine 869 retained).
Molecular consequence: synonymous variant.
Genome position (GRCh38, 1-based): chr3:151,447,374, G>A on the plus strand (C>T on the coding strand, the complement: IGSF10 is on the minus strand). VCF-style: chr3-151447374-G-A. GRCh37 (hg19) VCF-style: chr3-151165162-G-A.
Other names: c.2607C>T, p.Ala869= (NM_001385060.1, NM_001385061.1, NM_001385062.1 and 1 more transcripts).
Identifiers: ClinVar variation 3052683 (VCV003052683.2), dbSNP rs2474498177, ClinGen allele CA436400276.